The following is an entry in ClinVar:

ClinVar aggregate classification (germline): Benign (0 of 4 stars; one submission).

Conditions:
CRIM1-related disorder. Also called: CRIM1-related condition.

Allele frequency attached by ClinVar (database versions not stated): TOPMed 0.00020; gnomAD 0.00086; 1000 Genomes Project 0.00599; 1000 Genomes Project 30x 0.00640; ExAC 0.00763.
gnomAD v4.1: 2,797 of 1,595,650 alleles (0.18%); highest among the groups gnomAD compares: South Asian, 2.7%; 86 homozygotes.

Submission:

PreventionGenetics, part of Exact Sciences
Classification: Benign for CRIM1-related condition. Last evaluated: 2019-07-01. Review status: no assertion criteria provided. Collection method: clinical testing. Allele origin: germline.
Comment: This variant is classified as benign based on ACMG/AMP sequence variant interpretation guidelines (Richards et al. 2015 PMID: 25741868, with internal and published modifications).

NM_016441.3(CRIM1):c.76C>A (p.Leu26Met)

Gene: CRIM1 (cysteine rich transmembrane BMP regulator 1). Cytogenetic location: 2p22.2.
Variant type: single nucleotide variant.
Coding change: c.76C>A on transcript NM_016441.3 (MANE Select); coding-DNA position 76, C replaced by A.
Protein change: p.Leu26Met; replaces leucine 26 with methionine.
Molecular consequence: missense variant.
Genome position (GRCh38, 1-based): chr2:36,356,368, C>A. VCF-style: chr2-36356368-C-A. GRCh37 (hg19) VCF-style: chr2-36583511-C-A.
Other names: short protein forms L26M.
Identifiers: ClinVar variation 3033563 (VCV003033563.2), dbSNP rs534996132, ClinGen allele CA1609778.